The following is an entry in ClinVar:

ClinVar aggregate classification (germline): Uncertain significance. Review status: criteria provided, multiple submitters, no conflicts (2 of 4 stars). 2 submissions from 2 submitters: Uncertain significance (2). Last evaluated 2025-07-17.

Conditions:
Hereditary cancer-predisposing syndrome. Also called: Neoplastic Syndromes, Hereditary; Hereditary neoplastic syndrome; Tumor predisposition; Hereditary Cancer Syndrome. Identifiers: Orphanet 140162, MedGen C0027672, MeSH D009386, MONDO:0015356.
Microcephaly, normal intelligence and immunodeficiency (NBS). Also called: Immunodeficiency, microcephaly with normal intelligence; Ataxia telangiectasia variant V1; IMMUNODEFICIENCY, MICROCEPHALY, AND CHROMOSOMAL INSTABILITY; BERLIN BREAKAGE SYNDROME; SEEMANOVA SYNDROME II; Nijmegen breakage syndrome. Identifiers: Orphanet 647, MedGen C0398791, MONDO:0009623, OMIM 251260.

Submissions (2):

Ambry Genetics
Classification: Uncertain significance for Hereditary cancer-predisposing syndrome. Last evaluated: 2025-07-17. Review status: criteria provided, single submitter. Criteria: Ambry Variant Classification Scheme 2023. Collection method: clinical testing. Allele origin: germline.
Comment: The p.A557G variant (also known as c.1670C>G), located in coding exon 11 of the NBN gene, results from a C to G substitution at nucleotide position 1670. The alanine at codon 557 is replaced by glycine, an amino acid with similar properties. This amino acid position is conserved. In addition, this alteration is predicted to be tolerated by in silico analysis. Since supporting evidence is limited at this time, the clinical significance of this alteration remains unclear.

Labcorp Genetics (formerly Invitae), Labcorp
Classification: Uncertain significance for Microcephaly, normal intelligence and immunodeficiency. Last evaluated: 2017-10-02. Review status: criteria provided, single submitter. Criteria: Invitae Variant Classification Sherloc (09022015). Collection method: clinical testing. Allele origin: germline.
Comment: Algorithms developed to predict the effect of missense changes on protein structure and function (SIFT, PolyPhen-2, Align-GVGD) all suggest that this variant is likely to be tolerated, but these predictions have not been confirmed by published functional studies and their clinical significance is uncertain. In summary, the available evidence is currently insufficient to determine the role of this variant in disease. Therefore, it has been classified as a Variant of Uncertain Significance. This variant has not been reported in the literature in individuals with NBN-related disease. This variant is not present in population databases (ExAC no frequency). This sequence change replaces alanine with glycine at codon 557 of the NBN protein (p.Ala557Gly). The alanine residue is weakly conserved and there is a small physicochemical difference between alanine and glycine.

NM_002485.5(NBN):c.1670C>G (p.Ala557Gly)

Gene: NBN (nibrin; minus strand). Cytogenetic location: 8q21.3.
Variant type: single nucleotide variant.
Coding change: c.1670C>G on transcript NM_002485.5 (MANE Select); coding-DNA position 1670, C replaced by G.
Protein change: p.Ala557Gly; replaces alanine 557 with glycine.
Molecular consequence: missense variant.
Genome position (GRCh38, 1-based): chr8:89,953,419, G>C on the plus strand (C>G on the coding strand, the complement: NBN is on the minus strand). VCF-style: chr8-89953419-G-C. GRCh37 (hg19) VCF-style: chr8-90965647-G-C.
Other names: c.1424C>G, p.Ala475Gly (NM_001024688.3); short protein forms A557G, A475G.
Identifiers: ClinVar variation 530735 (VCV000530735.12), dbSNP rs1286743873, ClinGen allele CA371655354.